The following is an entry in ClinVar:

ClinVar aggregate classification (germline): Uncertain significance (1 of 4 stars; one submission).

gnomAD v4.1: 1 of 1,611,446 alleles (0.000062%); highest among the groups gnomAD compares: African/African-American, 0.0013%; no homozygotes.

Submission:

Ambry Genetics
Classification: Uncertain significance. Last evaluated: 2025-11-17. Review status: criteria provided, single submitter. Criteria: Ambry Variant Classification Scheme 2023. Collection method: clinical testing. Allele origin: germline.
Comment: The p.P1575T variant (also known as c.4723C>A), located in coding exon 19 of the WNK2 gene, results from a C to A substitution at nucleotide position 4723. The proline at codon 1575 is replaced by threonine, an amino acid with highly similar properties. This amino acid position is conserved. In addition, this alteration is predicted to be tolerated by in silico analysis. Based on the available evidence, the clinical significance of this variant remains unclear.

NM_006648.4(WNK2):c.4723C>A (p.Pro1575Thr)

Gene: WNK2 (WNK lysine deficient protein kinase 2; plus strand). Cytogenetic location: 9q22.31.
Variant type: single nucleotide variant.
Coding change: c.4723C>A on transcript NM_006648.4 (MANE Select); coding-DNA position 4723, C replaced by A.
Protein change: p.Pro1575Thr; replaces proline 1575 with threonine.
Molecular consequence: missense variant.
Genome position (GRCh38, 1-based): chr9:93,289,477, C>A. VCF-style: chr9-93289477-C-A. GRCh37 (hg19) VCF-style: chr9-96051759-C-A.
Other names: c.4834C>A, p.Pro1612Thr (NM_001282394.3); short protein forms P1612T, P1575T.
Identifiers: ClinVar variation 3333167 (VCV003333167.2).